The following is an entry in ClinVar:

NM_153704.6(TMEM67):c.1714G>A (p.Ala572Thr)

Gene: TMEM67 (transmembrane protein 67; plus strand). Cytogenetic location: 8q22.1.
Variant type: single nucleotide variant.
Coding change: c.1714G>A on transcript NM_153704.6 (MANE Select); coding-DNA position 1714, G replaced by A.
Protein change: p.Ala572Thr; replaces alanine 572 with threonine.
Molecular consequence: missense variant. On other transcripts: non-coding transcript variant (1).
Genome position (GRCh38, 1-based): chr8:93,795,448, G>A. VCF-style: chr8-93795448-G-A. GRCh37 (hg19) VCF-style: chr8-94807676-G-A.
Other names: c.1471G>A, p.Ala491Thr (NM_001142301.1); short protein forms A491T, A572T.
Identifiers: ClinVar variation 521968 (VCV000521968.17), dbSNP rs1281778614, ClinGen allele CA371692274.

ClinVar aggregate classification (germline): Conflicting classifications of pathogenicity. Review status: criteria provided, conflicting classifications (1 of 4 stars). 6 submissions from 6 submitters: Likely pathogenic (1); Uncertain significance (4). 1 of the submissions does not count toward it. Last evaluated 2026-04-06.

Conditions:
Meckel-Gruber syndrome. Also called: Dysencephalia splachnocystica; DYSENCEPHALIA SPLANCHNOCYSTICA; GRUBER SYNDROME. Identifiers: Orphanet 564, MedGen C0265215, MONDO:0018921.
Joubert syndrome. Also called: Familial aplasia of the vermis; JOUBERT-BOLTSHAUSER SYNDROME. Identifiers: Orphanet 475, MedGen C5979921, MONDO:0018772.
Joubert syndrome 6 (JBTS6). Identifiers: Orphanet 475, MedGen C1853153, MONDO:0012539, OMIM 610688.
TMEM67-related disorder. Also called: TMEM67-related disorders; TMEM67-related condition. Identifiers: MedGen CN239423.
Inborn genetic diseases. Identifiers: MedGen C0950123, MeSH D030342.

Allele frequency attached by ClinVar (database versions not stated): TOPMed 0.00001; gnomAD 0.00001.
gnomAD v4.1: 1 of 1,613,818 alleles (0.000062%); highest among the groups gnomAD compares: Non-Finnish European, 0.000085%; no homozygotes.

Submissions (6):

GeneDx
Classification: Uncertain significance. Last evaluated: 2026-04-06. Review status: criteria provided, single submitter. Criteria: GeneDx Variant Classification Process June 2021. Collection method: clinical testing. Allele origin: germline.
Comment: Not observed at significant frequency in large population cohorts (gnomAD); In silico analysis supports that this missense variant has a deleterious effect on protein structure/function; Has not been previously published as pathogenic or benign to our knowledge; In silico analysis suggests this variant may impact gene splicing. In the absence of RNA/functional studies, the actual effect of this sequence change is unknown.; This variant is associated with the following publications: (PMID: 25326635)

Labcorp Genetics (formerly Invitae), Labcorp
Classification: Likely pathogenic for Joubert syndrome; Meckel-Gruber syndrome. Last evaluated: 2025-12-24. Review status: criteria provided, single submitter. Criteria: Invitae Variant Classification Sherloc (09022015). Collection method: clinical testing. Allele origin: germline.
Comment: This sequence change replaces alanine, which is neutral and non-polar, with threonine, which is neutral and polar, at codon 572 of the TMEM67 protein (p.Ala572Thr). This variant is not present in population databases (gnomAD no frequency). This missense change has been observed in individual(s) with Joubert syndrome (PMID: 25326635). In at least one individual the data is consistent with being in trans (on the opposite chromosome) from a pathogenic variant. ClinVar contains an entry for this variant (Variation ID: 521968). Invitae Evidence Modeling of protein sequence and biophysical properties (such as structural, functional, and spatial information, amino acid conservation, physicochemical variation, residue mobility, and thermodynamic stability) indicates that this missense variant is expected to disrupt TMEM67 protein function with a positive predictive value of 80%. In summary, the currently available evidence indicates that the variant is pathogenic, but additional data are needed to prove that conclusively. Therefore, this variant has been classified as Likely Pathogenic.

Genetic Services Laboratory, University of Chicago
Classification: Uncertain significance. Last evaluated: 2021-03-26. Review status: criteria provided, single submitter. Criteria: ACMG Guidelines, 2015. Collection method: clinical testing. Allele origin: germline. Affected: no.
Comment: This sequence change, c.1714G>A, in exon 17 results in an amino acid change, p.Ala572Thr. This sequence change is absent from the gnomAD population database. This sequence change does not appear to have been previously described in patients with TMEM67-related disorders. However, a different sequence change affecting the same amino acid (p.Ala572Val) has been reported in the compound heterozygous state in one autopsied fetus with bilateral enlarged cystic kidneys, ductal plate malformation in the liver and abnormal lung lobulation (PMID: 29194579). This p.Ala572Thr change affects a moderately conserved amino acid residue located in the transmembrane domain of the TMEM67 protein. In-silico pathogenicity prediction tools (SIFT, PolyPhen2, Align GVGD, REVEL) provide contradictory results for the p.Ala572Thr substitution. Due to the lack of functional studies, the clinical significance of the p.Ala572Thr change remains unknown at this time.

Baylor Genetics
Classification: Uncertain significance for Joubert syndrome 6. Last evaluated: 2017-09-01. Review status: criteria provided, single submitter. Criteria: ACMG Guidelines, 2015. Collection method: clinical testing. Allele origin: maternal. Inheritance: Autosomal recessive inheritance. Affected: yes.

Ambry Genetics
Classification: Uncertain significance for Inborn genetic diseases. Last evaluated: 2017-08-08. Review status: criteria provided, single submitter. Criteria: Ambry exome assertion method (8-5-2015). Collection method: clinical testing. Allele origin: germline. Affected: yes. Observed: 1 variant allele.

PreventionGenetics, part of Exact Sciences
Classification: Uncertain significance for TMEM67-related condition. Last evaluated: 2024-09-04. Review status: no assertion criteria provided. Collection method: clinical testing. Allele origin: germline. Not counted in ClinVar's aggregate classification.
Comment: The TMEM67 c.1714G>A variant is predicted to result in the amino acid substitution p.Ala572Thr. To our knowledge, this variant has not been reported in the literature or in a large population database, indicating this variant is rare. At this time, the clinical significance of this variant is uncertain due to the absence of conclusive functional and genetic evidence.

Literature cited by the submitters: PubMed 25326635 (cited by Labcorp Genetics (formerly Invitae), Labcorp and Baylor Genetics).